The following is an entry in ClinVar:

ClinVar aggregate classification (germline): Uncertain significance (1 of 4 stars; one submission).

Conditions:
ASXL2-related disorder. Also called: ASXL2-related condition.

Allele frequency attached by ClinVar (database versions not stated): TOPMed below 0.00001.

Submission:

PreventionGenetics, part of Exact Sciences
Classification: Uncertain significance for ASXL2-related condition. Last evaluated: 2022-10-18. Review status: criteria provided, single submitter. Criteria: ACMG Guidelines, 2015. Collection method: clinical testing. Allele origin: germline.
Comment: The ASXL2 c.1522A>G variant is predicted to result in the amino acid substitution p.Thr508Ala. To our knowledge, this variant has not been reported in the literature or in a large population database, indicating this variant is rare. At this time, the clinical significance of this variant is uncertain due to the absence of conclusive functional and genetic evidence.

NM_018263.6(ASXL2):c.1522A>G (p.Thr508Ala)

Gene: ASXL2 (ASXL transcriptional regulator 2; minus strand). Cytogenetic location: 2p23.3.
Variant type: single nucleotide variant.
Coding change: c.1522A>G on transcript NM_018263.6 (MANE Select); coding-DNA position 1522, A replaced by G.
Protein change: p.Thr508Ala; replaces threonine 508 with alanine.
Molecular consequence: missense variant.
Genome position (GRCh38, 1-based): chr2:25,750,034, T>C on the plus strand (A>G on the coding strand, the complement: ASXL2 is on the minus strand). VCF-style: chr2-25750034-T-C. GRCh37 (hg19) VCF-style: chr2-25972903-T-C.
Other names: c.1348A>G, p.Thr450Ala (NM_001369346.1); c.742A>G, p.Thr248Ala (NM_001369347.1); short protein forms T248A, T450A, T508A.
Identifiers: ClinVar variation 2628462 (VCV002628462.1), dbSNP rs1237021764, ClinGen allele CA346075614.
Genomic context (GRCh38, chr2:25,750,034, plus strand): 5'-GTTTGCTTGGCGATGTAACTAAAGATTCTTGGCTTTCACTTTTGTTATAATTAGAAGCTG[T>C]GGTGAGATGGTTCTTCTCAGATTCCTGTTCAGCAGAGGTGACTGGCTTCTGCTCCAAGAG-3'
Protein context (NP_060733.4, residues 498-518): EQESEKNHLT[Thr508Ala]ASNYNKSESQ